The following is an entry in ClinVar:

ClinVar aggregate classification (germline): Benign. Review status: criteria provided, multiple submitters, no conflicts (2 of 4 stars). 2 submissions from 2 submitters: Benign (2). Last evaluated 2018-01-12.

Conditions:
Parietal foramina 2 (PFM2). Identifiers: Orphanet 60015, MedGen C1865044, MONDO:0012309, OMIM 609597.

Allele frequency attached by ClinVar (database versions not stated): 1000 Genomes Project 0.00100; ESP Exome Variant Server 0.00139; TOPMed 0.00147; ExAC 0.00152; gnomAD exomes 0.00162; gnomAD 0.00181 and 0.00185.
gnomAD v4.1: 3,602 of 1,601,192 alleles (0.22%); highest among the groups gnomAD compares: Non-Finnish European, 0.27%; 9 homozygotes.

Submissions (2):

Illumina Laboratory Services, Illumina
Classification: Benign for Parietal foramina 2. Last evaluated: 2018-01-12. Review status: criteria provided, single submitter. Criteria: ICSL Variant Classification Criteria 13 December 2019. Collection method: clinical testing. Allele origin: germline.
Comment: This variant was observed in the ICSL laboratory as part of a predisposition screen in an ostensibly healthy population. It had not been previously curated by ICSL or reported in the Human Gene Mutation Database (HGMD: prior to June 1st, 2018), and was therefore a candidate for classification through an automated scoring system. Utilizing variant allele frequency, disease prevalence and penetrance estimates, and inheritance mode, an automated score was calculated to assess if this variant is too frequent to cause the disease. Based on the score and internal cut-off values, a variant classified as benign is not then subjected to further curation. The score for this variant resulted in a classification of benign for this disease.

Breakthrough Genomics
Classification: Benign. Review status: criteria provided, single submitter. Criteria: ACMG Guidelines, 2015. Collection method: not provided. Allele origin: germline. Inheritance: Autosomal recessive inheritance. Affected: yes.

NM_021926.4(ALX4):c.*46G>A

Gene: ALX4 (ALX homeobox 4; minus strand). Cytogenetic location: 11p11.2.
Variant type: single nucleotide variant.
Coding change: c.*46G>A on transcript NM_021926.4 (MANE Select); 46 bases downstream of the stop codon, G replaced by A.
Molecular consequence: 3 prime UTR variant.
Genome position (GRCh38, 1-based): chr11:44,264,808, C>T on the plus strand (G>A on the coding strand, the complement: ALX4 is on the minus strand). VCF-style: chr11-44264808-C-T. GRCh37 (hg19) VCF-style: chr11-44286358-C-T.
Identifiers: ClinVar variation 880251 (VCV000880251.5), dbSNP rs72905941, ClinGen allele CA5955477.